The following is an entry in ClinVar:

ClinVar aggregate classification (germline): Uncertain significance. Review status: criteria provided, multiple submitters, no conflicts (2 of 4 stars). 2 submissions from 2 submitters: Uncertain significance (2). Last evaluated 2025-05-27.

Conditions:
Hereditary cancer-predisposing syndrome. Also called: Neoplastic Syndromes, Hereditary; Tumor predisposition; Hereditary Cancer Syndrome; Hereditary neoplastic syndrome. Identifiers: Orphanet 140162, MedGen C0027672, MeSH D009386, MONDO:0015356.
Gastrointestinal stromal tumor. Also called: Gastrointestinal stromal tumor, somatic; Gastrointestinal stroma tumor. Identifiers: Orphanet 44890, MedGen C0238198, MeSH D046152, MONDO:0011719, OMIM 606764, HP:0100723.

Submissions (2):

Ambry Genetics
Classification: Uncertain significance for Hereditary cancer-predisposing syndrome. Last evaluated: 2025-05-27. Review status: criteria provided, single submitter. Criteria: Ambry Variant Classification Scheme 2023. Collection method: clinical testing. Allele origin: germline.
Comment: The p.S984P variant (also known as c.2950T>C), located in coding exon 21 of the PDGFRA gene, results from a T to C substitution at nucleotide position 2950. The serine at codon 984 is replaced by proline, an amino acid with similar properties. This amino acid position is conserved. In addition, this alteration is predicted to be tolerated by in silico analysis. Based on the available evidence, the clinical significance of this variant remains unclear.

Labcorp Genetics (formerly Invitae), Labcorp
Classification: Uncertain significance for Gastrointestinal stromal tumor. Last evaluated: 2023-03-03. Review status: criteria provided, single submitter. Criteria: Invitae Variant Classification Sherloc (09022015). Collection method: clinical testing. Allele origin: germline.
Comment: This variant is not present in population databases (gnomAD no frequency). This sequence change replaces serine, which is neutral and polar, with proline, which is neutral and non-polar, at codon 984 of the PDGFRA protein (p.Ser984Pro). This variant has not been reported in the literature in individuals affected with PDGFRA-related conditions. In summary, the available evidence is currently insufficient to determine the role of this variant in disease. Therefore, it has been classified as a Variant of Uncertain Significance. Advanced modeling of protein sequence and biophysical properties (such as structural, functional, and spatial information, amino acid conservation, physicochemical variation, residue mobility, and thermodynamic stability) performed at Invitae indicates that this missense variant is not expected to disrupt PDGFRA protein function.

NM_006206.6(PDGFRA):c.2950T>C (p.Ser984Pro)

Gene: PDGFRA (platelet derived growth factor receptor alpha; plus strand). Cytogenetic location: 4q12.
Variant type: single nucleotide variant.
Coding change: c.2950T>C on transcript NM_006206.6 (MANE Select); coding-DNA position 2950, T replaced by C.
Protein change: p.Ser984Pro; replaces serine 984 with proline.
Molecular consequence: missense variant.
Genome position (GRCh38, 1-based): chr4:54,290,382, T>C. VCF-style: chr4-54290382-T-C. GRCh37 (hg19) VCF-style: chr4-55156549-T-C.
Other names: c.3025T>C, p.Ser1009Pro (NM_001347828.2); c.2950T>C, p.Ser984Pro (NM_001347829.2); c.2989T>C, p.Ser997Pro (NM_001347830.2); short protein forms S1009P, S984P, S997P.
Identifiers: ClinVar variation 2842359 (VCV002842359.4), dbSNP rs2475565332, ClinGen allele CA356896054.